The following is an entry in ClinVar:

NM_001276270.2(MBD4):c.831T>C (p.Pro277=)

Gene: MBD4 (methyl-CpG binding domain 4, DNA glycosylase; minus strand). Cytogenetic location: 3q21.3.
Variant type: single nucleotide variant.
Coding change: c.831T>C on transcript NM_001276270.2 (MANE Select); coding-DNA position 831, T replaced by C.
Protein change: p.Pro277=; no amino-acid change (proline 277 retained).
Molecular consequence: synonymous variant. On other transcripts: intron variant (1).
Genome position (GRCh38, 1-based): chr3:129,436,813, A>G on the plus strand (T>C on the coding strand, the complement: MBD4 is on the minus strand). VCF-style: chr3-129436813-A-G. GRCh37 (hg19) VCF-style: chr3-129155656-A-G.
Other names: c.831T>C, p.Pro277= (NM_001276271.2, NM_001276272.2, NM_003925.3); c.247+995T>C (NM_001276273.2).
Identifiers: ClinVar variation 3682794 (VCV003682794.3).

ClinVar aggregate classification (germline): Benign/Likely benign. Review status: criteria provided, multiple submitters, no conflicts (2 of 4 stars). 2 submissions from 2 submitters: Benign (1); Likely benign (1). Last evaluated 2026-06-10.

Conditions:
Tumor predisposition syndrome 2 (TPDS2). Also called: MBD4-Related Tumor Predisposition Syndrome; MBD4-associated neoplasia syndrome (MANS); MBD4-ASSOCIATED NEOPLASIA SYNDROME. Identifiers: Orphanet 661526, MedGen C5774186, MONDO:0859267, OMIM 619975.

gnomAD v4.1: 1 of 1,614,164 alleles (0.000062%); highest among the groups gnomAD compares: Non-Finnish European, 0.000085%; no homozygotes.

Submissions (2):

Myriad Genetics, Inc.
Classification: Benign for Tumor predisposition syndrome 2. Last evaluated: 2026-06-10. Review status: criteria provided, single submitter. Criteria: Myriad Autosomal Dominant, Autosomal Recessive and X-Linked Classification Criteria (2023). Collection method: clinical testing. Allele origin: unknown.
Comment: This variant is considered benign. This variant is a silent/synonymous amino acid change and it is not expected to impact splicing.

Labcorp Genetics (formerly Invitae), Labcorp
Classification: Likely benign. Last evaluated: 2024-12-05. Review status: criteria provided, single submitter. Criteria: Invitae Variant Classification Sherloc (09022015). Collection method: clinical testing. Allele origin: germline.